The following is an entry in ClinVar:

NM_000334.4(SCN4A):c.584G>A (p.Trp195Ter)

Gene: SCN4A (sodium voltage-gated channel alpha subunit 4; minus strand). Cytogenetic location: 17q23.3.
Variant type: single nucleotide variant.
Coding change: c.584G>A on transcript NM_000334.4 (MANE Select); coding-DNA position 584, G replaced by A.
Protein change: p.Trp195Ter; replaces tryptophan 195 with a stop codon.
Molecular consequence: nonsense.
Genome position (GRCh38, 1-based): chr17:63,971,749, C>T on the plus strand (G>A on the coding strand, the complement: SCN4A is on the minus strand). VCF-style: chr17-63971749-C-T. GRCh37 (hg19) VCF-style: chr17-62049109-C-T.
Other names: short protein forms W195*.
Identifiers: ClinVar variation 1453704 (VCV001453704.6), dbSNP rs1331907655, ClinGen allele CA400638948.

ClinVar aggregate classification (germline): Pathogenic (1 of 4 stars; one submission).

Conditions:
Hyperkalemic periodic paralysis. Also called: Familial hyperkalemic periodic paralysis; Gamstorp disease. Identifiers: Orphanet 682, MedGen C0238357, MONDO:0008224, OMIM 170500, HP:0007215.

Allele frequency attached by ClinVar (database versions not stated): gnomAD exomes below 0.00001; TOPMed below 0.00001; gnomAD 0.00001.

Submission:

Labcorp Genetics (formerly Invitae), Labcorp
Classification: Pathogenic for Hyperkalemic periodic paralysis. Last evaluated: 2021-10-09. Review status: criteria provided, single submitter. Criteria: Invitae Variant Classification Sherloc (09022015). Collection method: clinical testing. Allele origin: germline.
Comment: For these reasons, this variant has been classified as Pathogenic. Algorithms developed to predict the effect of sequence changes on RNA splicing suggest that this variant may create or strengthen a splice site. This variant has not been reported in the literature in individuals affected with SCN4A-related conditions. This variant is not present in population databases (ExAC no frequency). This sequence change creates a premature translational stop signal (p.Trp195*) in the SCN4A gene. It is expected to result in an absent or disrupted protein product. Loss-of-function variants in SCN4A are known to be pathogenic (PMID: 26700687).

Literature cited by the submitters: PubMed 26700687.